The following is an entry in ClinVar:

NM_001278293.3(ARL6):c.43A>G (p.Lys15Glu)

Gene: ARL6 (ARF like GTPase 6; plus strand). Cytogenetic location: 3q11.2.
Variant type: single nucleotide variant.
Coding change: c.43A>G on transcript NM_001278293.3 (MANE Select); coding-DNA position 43, A replaced by G.
Protein change: p.Lys15Glu; replaces lysine 15 with glutamic acid.
Molecular consequence: missense variant. On other transcripts: non-coding transcript variant (7).
Genome position (GRCh38, 1-based): chr3:97,768,150, A>G. VCF-style: chr3-97768150-A-G. GRCh37 (hg19) VCF-style: chr3-97486994-A-G.
Other names: c.43A>G, p.Lys15Glu (NM_001323513.2, NM_001323514.2, NM_032146.5 and 1 more transcripts); short protein forms K15E.
Identifiers: ClinVar variation 1511428 (VCV001511428.7), dbSNP rs535835888, ClinGen allele CA2505841.

ClinVar aggregate classification (germline): Uncertain significance. Review status: criteria provided, multiple submitters, no conflicts (2 of 4 stars). 3 submissions from 3 submitters: Uncertain significance (2). 1 of the submissions does not count toward it. Last evaluated 2024-03-21.

Conditions:
ARL6-related disorder. Also called: ARL6-related condition.
Bardet-Biedl syndrome 3 (BBS3). Identifiers: Orphanet 110, MedGen C1859564, MONDO:0010832, OMIM 600151.
Retinitis pigmentosa 55 (RP55). Identifiers: Orphanet 791, MedGen C3150808, MONDO:0013312, OMIM 613575.

Allele frequency attached by ClinVar (database versions not stated): gnomAD exomes below 0.00001 and 0.00001; ExAC 0.00001; gnomAD 0.00001; 1000 Genomes Project 30x 0.00016; 1000 Genomes Project 0.00020.
gnomAD v4.1: 4 of 1,613,190 alleles (0.00025%); highest among the groups gnomAD compares: Admixed American, 0.0067%; no homozygotes.

Submissions (3):

Blueprint Genetics
Classification: Uncertain significance. Last evaluated: 2024-03-21. Review status: criteria provided, single submitter. Criteria: ACMG Guidelines, 2015. Collection method: clinical testing. Allele origin: germline.

Labcorp Genetics (formerly Invitae), Labcorp
Classification: Uncertain significance for Retinitis pigmentosa 55; Bardet-Biedl syndrome 3. Last evaluated: 2021-08-26. Review status: criteria provided, single submitter. Criteria: Invitae Variant Classification Sherloc (09022015). Collection method: clinical testing. Allele origin: germline.
Comment: This sequence change replaces lysine with glutamic acid at codon 15 of the ARL6 protein (p.Lys15Glu). The lysine residue is highly conserved and there is a small physicochemical difference between lysine and glutamic acid. This variant is present in population databases (rs535835888, ExAC 0.009%). This variant has not been reported in the literature in individuals affected with ARL6-related conditions. Algorithms developed to predict the effect of missense changes on protein structure and function are either unavailable or do not agree on the potential impact of this missense change (SIFT: "Deleterious"; PolyPhen-2: "Possibly Damaging"; Align-GVGD: "Class C0"). In summary, the available evidence is currently insufficient to determine the role of this variant in disease. Therefore, it has been classified as a Variant of Uncertain Significance.

PreventionGenetics, part of Exact Sciences
Classification: Uncertain significance for ARL6-related condition. Last evaluated: 2024-08-29. Review status: no assertion criteria provided. Collection method: clinical testing. Allele origin: germline. Not counted in ClinVar's aggregate classification.
Comment: The ARL6 c.43A>G variant is predicted to result in the amino acid substitution p.Lys15Glu. To our knowledge, this variant has not been reported in the literature. This variant is reported in 0.0029% of alleles in individuals of Latino descent in gnomAD. At this time, the clinical significance of this variant is uncertain due to the absence of conclusive functional and genetic evidence.